The following is an entry in ClinVar:

NM_006227.4(PLTP):c.201-5T>G

Gene: PLTP (phospholipid transfer protein; minus strand). Cytogenetic location: 20q13.12.
Variant type: single nucleotide variant.
Coding change: c.201-5T>G on transcript NM_006227.4 (MANE Select); 5 bases into the intron before coding-DNA position 201, T replaced by G.
Molecular consequence: intron variant.
Genome position (GRCh38, 1-based): chr20:45,910,075, A>C on the plus strand (T>G on the coding strand, the complement: PLTP is on the minus strand). VCF-style: chr20-45910075-A-C. GRCh37 (hg19) VCF-style: chr20-44538714-A-C.
Other names: c.-64-5T>G (NM_001242921.1); c.200+1077T>G (NM_001242920.2); c.201-5T>G (NM_182676.3).
Identifiers: ClinVar variation 3693216 (VCV003693216.2).

ClinVar aggregate classification (germline): Uncertain significance (1 of 4 stars; one submission).

Submission:

Labcorp Genetics (formerly Invitae), Labcorp
Classification: Uncertain significance. Last evaluated: 2024-02-02. Review status: criteria provided, single submitter. Criteria: Invitae Variant Classification Sherloc (09022015). Collection method: clinical testing. Allele origin: germline.
Comment: This sequence change falls in intron 3 of the PLTP gene. It does not directly change the encoded amino acid sequence of the PLTP protein. This variant is not present in population databases (gnomAD no frequency). This variant has not been reported in the literature in individuals affected with PLTP-related conditions. Algorithms developed to predict the effect of sequence changes on RNA splicing suggest that this variant may disrupt the consensus splice site. In summary, the available evidence is currently insufficient to determine the role of this variant in disease. Therefore, it has been classified as a Variant of Uncertain Significance.